The following is an entry in ClinVar:

NM_001103146.3(GIGYF2):c.162A>G (p.Lys54=)

Gene: GIGYF2 (GRB10 interacting GYF protein 2; plus strand). Cytogenetic location: 2q37.1.
Variant type: single nucleotide variant.
Coding change: c.162A>G on transcript NM_001103146.3 (MANE Select); coding-DNA position 162, A replaced by G.
Protein change: p.Lys54=; no amino-acid change (lysine 54 retained).
Molecular consequence: synonymous variant. On other transcripts: non-coding transcript variant (1).
Genome position (GRCh38, 1-based): chr2:232,747,735, A>G. VCF-style: chr2-232747735-A-G. GRCh37 (hg19) VCF-style: chr2-233612445-A-G.
Other names: c.162A>G, p.Lys54= (NM_001103147.2, NM_001103148.2, NM_015575.4).
Identifiers: ClinVar variation 3058521 (VCV003058521.2), dbSNP rs747695811, ClinGen allele CA2169769.

ClinVar aggregate classification (germline): Likely benign (0 of 4 stars; one submission).

Conditions:
GIGYF2-related disorder. Also called: GIGYF2-related condition.

Allele frequency attached by ClinVar (database versions not stated): ExAC 0.00001; gnomAD 0.00001; gnomAD exomes 0.00001; TOPMed 0.00001.
gnomAD v4.1: 19 of 1,613,732 alleles (0.0012%); highest among the groups gnomAD compares: Admixed American, 0.0017%; no homozygotes.

Submission:

PreventionGenetics, part of Exact Sciences
Classification: Likely benign for GIGYF2-related condition. Last evaluated: 2024-03-01. Review status: no assertion criteria provided. Collection method: clinical testing. Allele origin: germline.
Comment: This variant is classified as likely benign based on ACMG/AMP sequence variant interpretation guidelines (Richards et al. 2015 PMID: 25741868, with internal and published modifications).